The following is an entry in ClinVar:

NM_004714.3(DYRK1B):c.468G>A (p.Leu156=)

Gene: DYRK1B (dual specificity tyrosine phosphorylation regulated kinase 1B; minus strand). Cytogenetic location: 19q13.2.
Variant type: single nucleotide variant.
Coding change: c.468G>A on transcript NM_004714.3 (MANE Select); coding-DNA position 468, G replaced by A.
Protein change: p.Leu156=; no amino-acid change (leucine 156 retained).
Molecular consequence: synonymous variant.
Genome position (GRCh38, 1-based): chr19:39,829,932, C>T on the plus strand (G>A on the coding strand, the complement: DYRK1B is on the minus strand). VCF-style: chr19-39829932-C-T. GRCh37 (hg19) VCF-style: chr19-40320572-C-T.
Other names: c.468G>A, p.Leu156= (NM_006483.3, NM_006484.3).
Identifiers: ClinVar variation 5002021 (VCV005002021.1).

ClinVar aggregate classification (germline): Likely benign (1 of 4 stars; one submission).

Conditions:
DYRK1B-related disorder. Also called: DYRK1B-related condition.

gnomAD v4.1: 1 of 1,614,108 alleles (0.000062%); highest among the groups gnomAD compares: Admixed American, 0.0017%; no homozygotes.

Submission:

PreventionGenetics, part of Exact Sciences
Classification: Likely benign for DYRK1B-related condition. Last evaluated: 2026-03-02. Review status: criteria provided, single submitter. Criteria: ACMG Guidelines, 2015. Collection method: clinical testing. Allele origin: germline.
Comment: This variant is classified as likely benign based on ACMG/AMP sequence variant interpretation guidelines (Richards et al. 2015 PMID: 25741868, with internal and published modifications).